The following is an entry in ClinVar:

NM_005120.3(MED12):c.1122T>C (p.Pro374=)

Gene: MED12 (mediator complex subunit 12; plus strand). Cytogenetic location: Xq13.1.
Variant type: single nucleotide variant.
Coding change: c.1122T>C on transcript NM_005120.3 (MANE Select); coding-DNA position 1122, T replaced by C.
Protein change: p.Pro374=; no amino-acid change (proline 374 retained).
Molecular consequence: synonymous variant.
Genome position (GRCh38, 1-based): chrX:71,122,220, T>C. VCF-style: chrX-71122220-T-C. GRCh37 (hg19) VCF-style: chrX-70342070-T-C.
Identifiers: ClinVar variation 4823385 (VCV004823385.4).
Genomic context (GRCh38, chrX:71,122,220, plus strand): 5'-CATGGTGAATGAGTTGGACTTAGCTGTTTCTATCTGGTAGACCATCCTCCTGTGCTGTCC[T>C]AGTGCCTTGGTTTGGCACTACTCACTGACTGATAGCAGAATTAAGACCGGCTCACCACTT-3'
Protein context (NP_005111.2, residues 364-384): CILQTILLCC[Pro374=]SALVWHYSLT

ClinVar aggregate classification (germline): Likely benign (1 of 4 stars; one submission).

Submission:

CeGaT Center for Human Genetics Tuebingen
Classification: Likely benign. Last evaluated: 2026-02-01. Review status: criteria provided, single submitter. Criteria: CeGaT Center For Human Genetics Tuebingen Variant Classification Criteria Version 2. Collection method: clinical testing. Allele origin: germline. Affected: yes. Observed: 1 variant allele.
Comment: MED12: PM2:Supporting, BP4, BP7